The following is an entry in ClinVar:

NM_001672.3(ASIP):c.263C>T (p.Pro88Leu)

Genes: AHCY (adenosylhomocysteinase; minus strand), ASIP (agouti signaling protein; plus strand). Cytogenetic location: 20q11.22.
Variant type: single nucleotide variant.
Coding change: c.263C>T on transcript NM_001672.3 (MANE Select); coding-DNA position 263, C replaced by T.
Protein change: p.Pro88Leu; replaces proline 88 with leucine.
Molecular consequence: missense variant.
Genome position (GRCh38, 1-based): chr20:34,269,031, C>T. VCF-style: chr20-34269031-C-T. GRCh37 (hg19) VCF-style: chr20-32856837-C-T.
Other names: c.263C>T, p.Pro88Leu (NM_001385218.1); short protein forms P88L.
Identifiers: ClinVar variation 5000770 (VCV005000770.1).

ClinVar aggregate classification (germline): Uncertain significance (1 of 4 stars; one submission).

Conditions:
ASIP-related condition.

Submission:

PreventionGenetics, part of Exact Sciences
Classification: Uncertain significance for ASIP-related condition. Last evaluated: 2025-05-15. Review status: criteria provided, single submitter. Criteria: ACMG Guidelines, 2015. Collection method: clinical testing. Allele origin: germline.
Comment: The ASIP c.263C>T variant is predicted to result in the amino acid substitution p.Pro88Leu. To our knowledge, this variant has not been reported in the literature or in a large population database (gnomAD), indicating this variant is rare. At this time, the clinical significance of this variant is uncertain due to the absence of conclusive functional and genetic evidence.